The following is an entry in ClinVar:

ClinVar aggregate classification (germline): Likely benign (0 of 4 stars; one submission).

Conditions:
B4GALT1-related disorder. Also called: B4GALT1-related condition.

Allele frequency attached by ClinVar (database versions not stated): TOPMed below 0.00001; gnomAD exomes 0.00001; ExAC 0.00003.
gnomAD v4.1: 3 of 1,612,166 alleles (0.00019%); highest among the groups gnomAD compares: Admixed American, 0.005%; no homozygotes.

Submission:

PreventionGenetics, part of Exact Sciences
Classification: Likely benign for B4GALT1-related condition. Last evaluated: 2023-04-04. Review status: no assertion criteria provided. Collection method: clinical testing. Allele origin: germline.
Comment: This variant is classified as likely benign based on ACMG/AMP sequence variant interpretation guidelines (Richards et al. 2015 PMID: 25741868, with internal and published modifications).

NM_001497.4(B4GALT1):c.837-10T>C

Gene: B4GALT1 (beta-1,4-galactosyltransferase 1; minus strand). Cytogenetic location: 9p21.1.
Variant type: single nucleotide variant.
Coding change: c.837-10T>C on transcript NM_001497.4 (MANE Select); 10 bases into the intron before coding-DNA position 837, T replaced by C.
Molecular consequence: intron variant.
Genome position (GRCh38, 1-based): chr9:33,116,123, A>G on the plus strand (T>C on the coding strand, the complement: B4GALT1 is on the minus strand). VCF-style: chr9-33116123-A-G. GRCh37 (hg19) VCF-style: chr9-33116121-A-G.
Other names: c.649-11342T>C (NM_001378497.1); c.837-2245T>C (NM_001378496.1); c.798-10T>C (NM_001378495.1).
Identifiers: ClinVar variation 3036356 (VCV003036356.2), dbSNP rs749540740, ClinGen allele CA5023669.